The following is an entry in ClinVar:

ClinVar aggregate classification (germline): Uncertain significance. Review status: criteria provided, multiple submitters, no conflicts (2 of 4 stars). 3 submissions from 3 submitters: Uncertain significance (3). Last evaluated 2025-10-27.

Conditions:
Nephronophthisis 4 (NPHP4). Also called: NEPHRONOPHTHISIS 4, JUVENILE. Identifiers: Orphanet 655, MedGen C1847013, MONDO:0011752, OMIM 606966.
Senior-Loken syndrome 4 (SLSN4). Identifiers: Orphanet 3156, MedGen C1846979, MONDO:0011756, OMIM 606996.
Nephronophthisis. Also called: Juvenile Nephronophthisis. Identifiers: Orphanet 655, MedGen C0687120, MONDO:0019005, HP:0000090.

Allele frequency attached by ClinVar (database versions not stated): ExAC 0.00001; gnomAD exomes 0.00001.
gnomAD v4.1: 9 of 1,612,108 alleles (0.00056%); highest among the groups gnomAD compares: East Asian, 0.0022%; no homozygotes.

Submissions (3):

Labcorp Genetics (formerly Invitae), Labcorp
Classification: Uncertain significance for Nephronophthisis. Last evaluated: 2025-10-27. Review status: criteria provided, single submitter. Criteria: Invitae Variant Classification Sherloc (09022015). Collection method: clinical testing. Allele origin: germline.
Comment: This sequence change replaces valine, which is neutral and non-polar, with glycine, which is neutral and non-polar, at codon 706 of the NPHP4 protein (p.Val706Gly). This variant is present in population databases (rs754076965, gnomAD 0.006%). This variant has not been reported in the literature in individuals affected with NPHP4-related conditions. ClinVar contains an entry for this variant (Variation ID: 2083395). Invitae Evidence Modeling of protein sequence and biophysical properties (such as structural, functional, and spatial information, amino acid conservation, physicochemical variation, residue mobility, and thermodynamic stability) indicates that this missense variant is not expected to disrupt NPHP4 protein function with a negative predictive value of 80%. In summary, the available evidence is currently insufficient to determine the role of this variant in disease. Therefore, it has been classified as a Variant of Uncertain Significance.

Fulgent Genetics
Classification: Uncertain significance for Nephronophthisis 4; Senior-Loken syndrome 4. Last evaluated: 2024-06-14. Review status: criteria provided, single submitter. Criteria: ACMG Guidelines, 2015. Collection method: clinical testing. Allele origin: germline.

Blueprint Genetics
Classification: Uncertain significance. Last evaluated: 2022-07-28. Review status: criteria provided, single submitter. Criteria: ACMG Guidelines, 2015. Collection method: clinical testing. Allele origin: germline.

NM_015102.5(NPHP4):c.2117T>G (p.Val706Gly)

Gene: NPHP4 (nephrocystin 4; minus strand). Cytogenetic location: 1p36.31.
Variant type: single nucleotide variant.
Coding change: c.2117T>G on transcript NM_015102.5 (MANE Select); coding-DNA position 2117, T replaced by G.
Protein change: p.Val706Gly; replaces valine 706 with glycine.
Molecular consequence: missense variant. On other transcripts: non-coding transcript variant (1).
Genome position (GRCh38, 1-based): chr1:5,904,643, A>C on the plus strand (T>G on the coding strand, the complement: NPHP4 is on the minus strand). VCF-style: chr1-5904643-A-C. GRCh37 (hg19) VCF-style: chr1-5964703-A-C.
Other names: c.578T>G, p.Val193Gly (NM_001291593.2); c.581T>G, p.Val194Gly (NM_001291594.2); short protein forms V194G, V706G, V193G.
Identifiers: ClinVar variation 2083395 (VCV002083395.6), dbSNP rs754076965, ClinGen allele CA554268.